The following is an entry in ClinVar:

NM_001365951.3(KIF1B):c.3764G>C (p.Trp1255Ser)

Gene: KIF1B (kinesin family member 1B; plus strand). Cytogenetic location: 1p36.22.
Variant type: single nucleotide variant.
Coding change: c.3764G>C on transcript NM_001365951.3 (MANE Select); coding-DNA position 3764, G replaced by C.
Protein change: p.Trp1255Ser; replaces tryptophan 1255 with serine.
Molecular consequence: missense variant.
Genome position (GRCh38, 1-based): chr1:10,345,920, G>C. VCF-style: chr1-10345920-G-C. GRCh37 (hg19) VCF-style: chr1-10405978-G-C.
Other names: c.3764G>C, p.Trp1255Ser (NM_001365952.1); c.3626G>C, p.Trp1209Ser (NM_015074.3); short protein forms W1209S, W1255S.
Identifiers: ClinVar variation 1515398 (VCV001515398.8), dbSNP rs2102326792, ClinGen allele CA338342519.
Genomic context (GRCh38, chr1:10,345,920, plus strand): 5'-TAAACACGATGAGCAAAACCAGCCTTGGCCAGAGCATGAGCAAGTATGACCTCCTGGTTT[G>C]GTTTGAGATCAGTGAACTGGAGCCTACAGGAGAGTAAGTCCAACTTAATAAATTTTTAAA-3'
Protein context (NP_001352880.1, residues 1245-1265): QSMSKYDLLV[Trp1255Ser]FEISELEPTG

ClinVar aggregate classification (germline): Uncertain significance (1 of 4 stars; one submission).

Conditions:
Charcot-Marie-Tooth disease type 2. Also called: Charcot-Marie-Tooth type 2. Identifiers: Orphanet 64746, MedGen C0270914, MONDO:0018993.

Submission:

Labcorp Genetics (formerly Invitae), Labcorp
Classification: Uncertain significance for Charcot-Marie-Tooth disease type 2. Last evaluated: 2021-05-11. Review status: criteria provided, single submitter. Criteria: Invitae Variant Classification Sherloc (09022015). Collection method: clinical testing. Allele origin: germline.
Comment: This sequence change replaces tryptophan with serine at codon 1209 of the KIF1B protein (p.Trp1209Ser). The tryptophan residue is highly conserved and there is a large physicochemical difference between tryptophan and serine. This variant is not present in population databases (ExAC no frequency). This variant has not been reported in the literature in individuals with KIF1B-related conditions. Algorithms developed to predict the effect of missense changes on protein structure and function (SIFT, PolyPhen-2, Align-GVGD) all suggest that this variant is likely to be tolerated, but these predictions have not been confirmed by published functional studies and their clinical significance is uncertain. In summary, the available evidence is currently insufficient to determine the role of this variant in disease. Therefore, it has been classified as a Variant of Uncertain Significance.